The following is an entry in ClinVar:

ClinVar aggregate classification (germline): Uncertain significance (1 of 4 stars; one submission).

Submission:

GeneDx
Classification: Uncertain significance. Last evaluated: 2023-12-07. Review status: criteria provided, single submitter. Criteria: GeneDx Variant Classification Process June 2021. Collection method: clinical testing. Allele origin: germline. Affected: yes.
Comment: Not observed in large population cohorts (gnomAD); In silico analysis, which includes protein predictors and evolutionary conservation, supports a deleterious effect; Has not been previously published as pathogenic or benign to our knowledge

NM_001009944.3(PKD1):c.913T>C (p.Trp305Arg)

Gene: PKD1 (polycystin 1, transient receptor potential channel interacting; minus strand). Cytogenetic location: 16p13.3.
Variant type: single nucleotide variant.
Coding change: c.913T>C on transcript NM_001009944.3 (MANE Select); coding-DNA position 913, T replaced by C.
Protein change: p.Trp305Arg; replaces tryptophan 305 with arginine.
Molecular consequence: missense variant.
Genome position (GRCh38, 1-based): chr16:2,118,079, A>G on the plus strand (T>C on the coding strand, the complement: PKD1 is on the minus strand). VCF-style: chr16-2118079-A-G. GRCh37 (hg19) VCF-style: chr16-2168080-A-G.
Other names: c.913T>C, p.Trp305Arg (NM_000296.4); short protein forms W305R.
Identifiers: ClinVar variation 1311809 (VCV001311809.3), dbSNP rs2151823617, ClinGen allele CA394393818.